The following is an entry in ClinVar:

ClinVar aggregate classification (germline): Likely benign (1 of 4 stars; one submission).

Conditions:
ALG6-congenital disorder of glycosylation 1C (CDG1C). Also called: CDG Ic; CARBOHYDRATE-DEFICIENT GLYCOPROTEIN SYNDROME, TYPE I, WITH DEFICIENT GLYCOSYLATION OF DOLICHOL-LINKED OLIGOSACCHARIDE; CARBOHYDRATE-DEFICIENT GLYCOPROTEIN SYNDROME, TYPE V; Congenital disorder of glycosylation type 1C; Congenital disorder of glycosylation, type Ic. Identifiers: Orphanet 79320, MedGen C2930997, MONDO:0011291, OMIM 603147.

Allele frequency attached by ClinVar (database versions not stated): gnomAD 0.00785 and 0.00827; TOPMed 0.00876; 1000 Genomes Project 0.01058; 1000 Genomes Project 30x 0.01124.

Submission:

Illumina Laboratory Services, Illumina
Classification: Likely benign for ALG6-congenital disorder of glycosylation 1C. Last evaluated: 2018-01-12. Review status: criteria provided, single submitter. Criteria: ICSL Variant Classification Criteria 13 December 2019. Collection method: clinical testing. Allele origin: germline.
Comment: This variant was observed in the ICSL laboratory as part of a predisposition screen in an ostensibly healthy population. It had not been previously curated by ICSL or reported in the Human Gene Mutation Database (HGMD: prior to June 1st, 2018), and was therefore a candidate for classification through an automated scoring system. Utilizing variant allele frequency, disease prevalence and penetrance estimates, and inheritance mode, an automated score was calculated to assess if this variant is too frequent to cause the disease. Based on the score and internal cut-off values, a variant classified as likely benign is not then subjected to further curation. The score for this variant resulted in a classification of likely benign for this disease.

NM_013339.4(ALG6):c.*1415T>G

Gene: ALG6 (ALG6 alpha-1,3-glucosyltransferase; plus strand). Cytogenetic location: 1p31.3.
Variant type: single nucleotide variant.
Coding change: c.*1415T>G on transcript NM_013339.4 (MANE Select); 1415 bases downstream of the stop codon, T replaced by G.
Molecular consequence: 3 prime UTR variant.
Genome position (GRCh38, 1-based): chr1:63,438,435, T>G. VCF-style: chr1-63438435-T-G. GRCh37 (hg19) VCF-style: chr1-63904106-T-G.
Other names: c.*1415T>G (LRG_1260t1).
Identifiers: ClinVar variation 297869 (VCV000297869.5), dbSNP rs148327539, ClinGen allele CA10611346.